The following is an entry in ClinVar:

NM_013372.7(GREM1):c.344A>T (p.Asn115Ile)

Gene: GREM1 (gremlin 1, DAN family BMP antagonist; plus strand). Cytogenetic location: 15q13.3.
Variant type: single nucleotide variant.
Coding change: c.344A>T on transcript NM_013372.7 (MANE Select); coding-DNA position 344, A replaced by T.
Protein change: p.Asn115Ile; replaces asparagine 115 with isoleucine.
Molecular consequence: missense variant.
Genome position (GRCh38, 1-based): chr15:32,731,034, A>T. VCF-style: chr15-32731034-A-T. GRCh37 (hg19) VCF-style: chr15-33023235-A-T.
Other names: c.134A>T, p.Asn45Ile (NM_001191322.2); c.221A>T, p.Asn74Ile (NM_001191323.2); c.344A>T, p.Asn115Ile (NM_001368719.1); short protein forms N115I, N74I, N45I.
Identifiers: ClinVar variation 1731538 (VCV001731538.2), dbSNP rs367676745, ClinGen allele CA391557734.

ClinVar aggregate classification (germline): Uncertain significance (1 of 4 stars; one submission).

Conditions:
Hereditary cancer-predisposing syndrome. Also called: Neoplastic Syndromes, Hereditary; Tumor predisposition; Hereditary Cancer Syndrome; Hereditary neoplastic syndrome. Identifiers: Orphanet 140162, MedGen C0027672, MeSH D009386, MONDO:0015356.

Submission:

Ambry Genetics
Classification: Uncertain significance for Hereditary cancer-predisposing syndrome. Last evaluated: 2022-01-08. Review status: criteria provided, single submitter. Criteria: Ambry Variant Classification Scheme 2023. Collection method: clinical testing. Allele origin: germline.
Comment: The p.N115I variant (also known as c.344A>T), located in coding exon 1 of the GREM1 gene, results from an A to T substitution at nucleotide position 344. The asparagine at codon 115 is replaced by isoleucine, an amino acid with dissimilar properties. This amino acid position is conserved. In addition, the in silico prediction for this alteration is inconclusive. Since supporting evidence is limited at this time, the clinical significance of this alteration remains unclear.